The following is an entry in ClinVar:

ClinVar aggregate classification (germline): Pathogenic (1 of 4 stars; one submission).

Allele frequency attached by ClinVar (database versions not stated): gnomAD exomes 0.00001.

Submission:

Labcorp Genetics (formerly Invitae), Labcorp
Classification: Pathogenic. Last evaluated: 2023-07-07. Review status: criteria provided, single submitter. Criteria: Invitae Variant Classification Sherloc (09022015). Collection method: clinical testing. Allele origin: germline.
Comment: This variant has not been reported in the literature in individuals affected with EYS-related conditions. This sequence change creates a premature translational stop signal (p.Asn604Lysfs*6) in the EYS gene. It is expected to result in an absent or disrupted protein product. Loss-of-function variants in EYS are known to be pathogenic (PMID: 18836446, 20333770). This variant is present in population databases (no rsID available, gnomAD 0.002%). ClinVar contains an entry for this variant (Variation ID: 1075874). For these reasons, this variant has been classified as Pathogenic.

Literature cited by the submitters: PubMed 18836446; PubMed 20333770.

NM_001142800.2(EYS):c.1812del (p.Asn604fs)

Gene: EYS (EGF-like photoreceptor maintenance factor; minus strand). Cytogenetic location: 6q12.
Variant type: Deletion.
Coding change: c.1812del on transcript NM_001142800.2 (MANE Select); coding-DNA position 1812, one base deleted (T; older notation c.1812delT).
Protein change: p.Asn604fs; shifts the reading frame from asparagine 604.
Molecular consequence: frameshift variant.
Genome position (GRCh38, 1-based): chr6:65,296,074, A deleted on the plus strand (T on the coding strand, the reverse complement: EYS is on the minus strand). VCF-style (leftmost placement, unchanged base first): chr6-65296073-CA-C. GRCh37 (hg19) VCF-style: chr6-66005966-CA-C.
Other names: c.1812del, p.Asn604fs (NM_001292009.2); short protein forms N604fs.
Identifiers: ClinVar variation 1075874 (VCV001075874.7), dbSNP rs1216698566, ClinGen allele CA568117509.